The following is an entry in ClinVar:

ClinVar aggregate classification (germline): Uncertain significance (1 of 4 stars; one submission).

Conditions:
Legius syndrome. Identifiers: Orphanet 137605, MedGen C1969623, MONDO:0012669, OMIM 611431. Disease mechanism: loss of function.

Allele frequency attached by ClinVar (database versions not stated): gnomAD exomes below 0.00001 and 0.00001; TOPMed below 0.00001.
gnomAD v4.1: 10 of 1,614,084 alleles (0.00062%); highest among the groups gnomAD compares: Non-Finnish European, 0.00085%; no homozygotes.

Submission:

Labcorp Genetics (formerly Invitae), Labcorp
Classification: Uncertain significance for Legius syndrome. Last evaluated: 2025-07-28. Review status: criteria provided, single submitter. Criteria: Invitae Variant Classification Sherloc (09022015). Collection method: clinical testing. Allele origin: germline.
Comment: This sequence change replaces arginine, which is basic and polar, with glutamine, which is neutral and polar, at codon 325 of the SPRED1 protein (p.Arg325Gln). This variant is present in population databases (no rsID available, gnomAD 0.0009%). This variant has not been reported in the literature in individuals affected with SPRED1-related conditions. ClinVar contains an entry for this variant (Variation ID: 468802). Invitae Evidence Modeling incorporating data from in vitro experimental studies (internal data) indicates that this missense variant is not expected to disrupt SPRED1 function with a negative predictive value of 95%. In summary, the available evidence is currently insufficient to determine the role of this variant in disease. Therefore, it has been classified as a Variant of Uncertain Significance.

NM_152594.3(SPRED1):c.974G>A (p.Arg325Gln)

Gene: SPRED1 (sprouty related EVH1 domain containing 1; plus strand). Cytogenetic location: 15q14.
Variant type: single nucleotide variant.
Coding change: c.974G>A on transcript NM_152594.3 (MANE Select); coding-DNA position 974, G replaced by A.
Protein change: p.Arg325Gln; replaces arginine 325 with glutamine.
Molecular consequence: missense variant.
Genome position (GRCh38, 1-based): chr15:38,351,303, G>A. VCF-style: chr15-38351303-G-A. GRCh37 (hg19) VCF-style: chr15-38643504-G-A.
Other names: short protein forms R325Q.
Identifiers: ClinVar variation 468802 (VCV000468802.9), dbSNP rs1238094530, ClinGen allele CA391933663.